The following is an entry in ClinVar:

NM_174934.4(SCN4B):c.200G>T (p.Arg67Leu)

Gene: SCN4B (sodium voltage-gated channel beta subunit 4; minus strand). Cytogenetic location: 11q23.3.
Variant type: single nucleotide variant.
Coding change: c.200G>T on transcript NM_174934.4 (MANE Select); coding-DNA position 200, G replaced by T.
Protein change: p.Arg67Leu; replaces arginine 67 with leucine.
Molecular consequence: missense variant. On other transcripts: 5 prime UTR variant (1), non-coding transcript variant (1), intron variant (1).
Genome position (GRCh38, 1-based): chr11:118,145,091, C>A on the plus strand (G>T on the coding strand, the complement: SCN4B is on the minus strand). VCF-style: chr11-118145091-C-A. GRCh37 (hg19) VCF-style: chr11-118015806-C-A.
Other names: c.-131G>T (NM_001142349.2); c.62-3755G>T (NM_001142348.2); short protein forms R67L.
Identifiers: ClinVar variation 1058880 (VCV001058880.7), dbSNP rs147332112, ClinGen allele CA382778597.
Genomic context (GRCh38, chr11:118,145,091, plus strand): 5'-GTACTGTTCTTCCTCCAAATACTTACAATCTTGAATGCGTCACTGCTGTTGTAGGTCCAC[C>A]GGAAGTGGAGGTCCTCGAAGCCAAAGCAGCTGGAGAAGGTGCAGGGCAGCAGGATCTCCG-3'
Protein context (NP_777594.1, residues 57-77): SCFGFEDLHF[Arg67Leu]WTYNSSDAFK

ClinVar aggregate classification (germline): Uncertain significance (1 of 4 stars; one submission).

Conditions:
Long QT syndrome 10 (LQT10). Identifiers: Orphanet 101016, Orphanet 768, MedGen C2678484, MONDO:0012737, OMIM 611819.

Submission:

Labcorp Genetics (formerly Invitae), Labcorp
Classification: Uncertain significance for Long QT syndrome 10. Last evaluated: 2021-11-08. Review status: criteria provided, single submitter. Criteria: Invitae Variant Classification Sherloc (09022015). Collection method: clinical testing. Allele origin: germline.
Comment: This variant is not present in population databases (gnomAD no frequency). This sequence change replaces arginine, which is basic and polar, with leucine, which is neutral and non-polar, at codon 67 of the SCN4B protein (p.Arg67Leu). This variant has not been reported in the literature in individuals affected with SCN4B-related conditions. ClinVar contains an entry for this variant (Variation ID: 1058880). Algorithms developed to predict the effect of missense changes on protein structure and function (SIFT, PolyPhen-2, Align-GVGD) all suggest that this variant is likely to be tolerated. In summary, the available evidence is currently insufficient to determine the role of this variant in disease. Therefore, it has been classified as a Variant of Uncertain Significance.